The following is an entry in ClinVar:

NM_001385641.1(SAMD11):c.1439T>G (p.Phe480Cys)

Gene: SAMD11 (sterile alpha motif domain containing 11; plus strand). Cytogenetic location: 1p36.33.
Variant type: single nucleotide variant.
Coding change: c.1439T>G on transcript NM_001385641.1 (MANE Select); coding-DNA position 1439, T replaced by G.
Protein change: p.Phe480Cys; replaces phenylalanine 480 with cysteine.
Molecular consequence: missense variant.
Genome position (GRCh38, 1-based): chr1:942,216, T>G. VCF-style: chr1-942216-T-G. GRCh37 (hg19) VCF-style: chr1-877596-T-G.
Other names: c.1442T>G, p.Phe481Cys (NM_001385640.1); c.950T>G, p.Phe317Cys (NM_152486.4); short protein forms F480C, F317C, F481C.
Identifiers: ClinVar variation 1039396 (VCV001039396.8), dbSNP rs1160476310, ClinGen allele CA337806830.

ClinVar aggregate classification (germline): Uncertain significance (1 of 4 stars; one submission).

Allele frequency attached by ClinVar (database versions not stated): gnomAD 0.00001; TOPMed 0.00001.
gnomAD v4.1: 2 of 1,357,234 alleles (0.00015%); highest among the groups gnomAD compares: Non-Finnish European, 0.00019%; no homozygotes.

Submission:

Labcorp Genetics (formerly Invitae), Labcorp
Classification: Uncertain significance. Last evaluated: 2020-09-23. Review status: criteria provided, single submitter. Criteria: Invitae Variant Classification Sherloc (09022015). Collection method: clinical testing. Allele origin: germline.
Comment: In summary, the available evidence is currently insufficient to determine the role of this variant in disease. Therefore, it has been classified as a Variant of Uncertain Significance. Algorithms developed to predict the effect of missense changes on protein structure and function are either unavailable or do not agree on the potential impact of this missense change (SIFT: "Deleterious"; PolyPhen-2: "Probably Damaging"; Align-GVGD: "Class C0"). This variant has not been reported in the literature in individuals with SAMD11-related conditions. The frequency data for this variant in the population databases is considered unreliable, as metrics indicate insufficient coverage at this position in the ExAC database. This sequence change replaces phenylalanine with cysteine at codon 317 of the SAMD11 protein (p.Phe317Cys). The phenylalanine residue is highly conserved and there is a large physicochemical difference between phenylalanine and cysteine.